The following is an entry in ClinVar:

NM_002582.4(PARN):c.918+1G>T

Gene: PARN (poly(A)-specific ribonuclease; minus strand). Cytogenetic location: 16p13.12.
Variant type: single nucleotide variant.
Coding change: c.918+1G>T on transcript NM_002582.4 (MANE Select); the canonical splice donor site of the intron after coding-DNA position 918, G replaced by T.
Molecular consequence: splice donor variant.
Genome position (GRCh38, 1-based): chr16:14,593,300, C>A on the plus strand (G>T on the coding strand, the complement: PARN is on the minus strand). VCF-style: chr16-14593300-C-A. GRCh37 (hg19) VCF-style: chr16-14687157-C-A.
Other names: IVS13DS, G-T, +1; c.735+1G>T (NM_001134477.3); c.780+1G>T (NM_001242992.2).
Identifiers: ClinVar variation 180662 (VCV000180662.2), dbSNP rs756132866, ClinGen allele CA250321.

ClinVar aggregate classification (germline): Uncertain significance. Review status: criteria provided, single submitter (1 of 4 stars). 3 submissions from 3 submitters: Uncertain significance (1). 2 of the submissions do not count toward it. Last evaluated 2025-02-13.

Conditions:
Dyskeratosis congenita, autosomal recessive 6 (DKCB6). Identifiers: MedGen C4225356, MONDO:0014600, OMIM 616353.
Pulmonary fibrosis and/or bone marrow failure, Telomere-related, 4. Also called: PULMONARY FIBROSIS AND/OR BONE MARROW FAILURE SYNDROME, TELOMERE-RELATED, 4. Identifiers: Orphanet 2032, MedGen C4225347, MONDO:0014612, OMIM 616371.
Dyskeratosis congenita. Identifiers: Orphanet 1775, MedGen C0265965, MONDO:0015780.

Allele frequency attached by ClinVar (database versions not stated): gnomAD exomes 0.00001; ExAC 0.00002.
gnomAD v4.1: 4 of 1,535,450 alleles (0.00026%); highest among the groups gnomAD compares: South Asian, 0.0034%; no homozygotes.

Submissions (3):

Labcorp Genetics (formerly Invitae), Labcorp
Classification: Uncertain significance for Dyskeratosis congenita, autosomal recessive 6; Pulmonary fibrosis and/or bone marrow failure, Telomere-related, 4. Last evaluated: 2025-02-13. Review status: criteria provided, single submitter. Criteria: Invitae Variant Classification Sherloc (09022015). Collection method: clinical testing. Allele origin: germline.
Comment: This sequence change affects a donor splice site in intron 13 of the PARN gene. It is expected to disrupt RNA splicing. Variants that disrupt the donor or acceptor splice site typically lead to a loss of protein function (PMID: 16199547), and loss-of-function variants in PARN are known to be pathogenic (PMID: 9736620, 25848748, 26810774). This variant is present in population databases (rs756132866, gnomAD 0.007%). Disruption of this splice site has been observed in individual(s) with dyskeratosis congenita (PMID: 25893599). ClinVar contains an entry for this variant (Variation ID: 180662). Studies have shown that disruption of this splice site is associated with altered splicing resulting in multiple RNA products (PMID: 25893599). In summary, the available evidence is currently insufficient to determine the role of this variant in disease. Therefore, it has been classified as a Variant of Uncertain Significance.

OMIM
Classification: Pathogenic for DYSKERATOSIS CONGENITA, AUTOSOMAL RECESSIVE 6. Last evaluated: 2015-05-01. Review status: no assertion criteria provided. Collection method: literature only. Allele origin: germline. Not counted in ClinVar's aggregate classification.

Bone Marrow Failure laboratory, Queen Mary University London
Classification: Pathogenic for Dyskeratosis congenita. Last evaluated: 2015-01-28. Review status: no assertion criteria provided. Collection method: research. Allele origin: germline. Affected: yes. Observed: 3 variant alleles, 1 homozygote. Not counted in ClinVar's aggregate classification.

Literature cited by the submitters: PubMed 16199547 (cited by Labcorp Genetics (formerly Invitae), Labcorp); PubMed 9736620 (cited by Labcorp Genetics (formerly Invitae), Labcorp); PubMed 25848748 (cited by Labcorp Genetics (formerly Invitae), Labcorp); PubMed 26810774 (cited by Labcorp Genetics (formerly Invitae), Labcorp); PubMed 25893599 (cited by Labcorp Genetics (formerly Invitae), Labcorp and OMIM).